The following is an entry in ClinVar:

ClinVar aggregate classification (germline): Uncertain significance (1 of 4 stars; one submission).

Submission:

Labcorp Genetics (formerly Invitae), Labcorp
Classification: Uncertain significance. Last evaluated: 2025-09-16. Review status: criteria provided, single submitter. Criteria: Invitae Variant Classification Sherloc (09022015). Collection method: clinical testing. Allele origin: germline.
Comment: This sequence change replaces proline, which is neutral and non-polar, with leucine, which is neutral and non-polar, at codon 449 of the LARP7 protein (p.Pro449Leu). This variant is present in population databases (rs754251488, gnomAD 0.003%). This variant has not been reported in the literature in individuals affected with LARP7-related conditions. Invitae Evidence Modeling of protein sequence and biophysical properties (such as structural, functional, and spatial information, amino acid conservation, physicochemical variation, residue mobility, and thermodynamic stability) indicates that this missense variant is expected to disrupt LARP7 protein function with a positive predictive value of 80%. In summary, the available evidence is currently insufficient to determine the role of this variant in disease. Therefore, it has been classified as a Variant of Uncertain Significance.

NM_016648.4(LARP7):c.1346C>T (p.Pro449Leu)

Gene: LARP7 (La ribonucleoprotein 7, transcriptional regulator; plus strand). Cytogenetic location: 4q25.
Variant type: single nucleotide variant.
Coding change: c.1346C>T on transcript NM_016648.4 (MANE Select); coding-DNA position 1346, C replaced by T.
Protein change: p.Pro449Leu; replaces proline 449 with leucine.
Molecular consequence: missense variant.
Genome position (GRCh38, 1-based): chr4:112,650,512, C>T. VCF-style: chr4-112650512-C-T. GRCh37 (hg19) VCF-style: chr4-113571668-C-T.
Other names: c.1346C>T, p.Pro449Leu (NM_001267039.4, NM_001370978.1, NM_015454.3); c.1385C>T, p.Pro462Leu (NM_001370974.1, NM_001370975.1); c.1382C>T, p.Pro461Leu (NM_001370976.1, NM_001370977.1); c.1343C>T, p.Pro448Leu (NM_001370979.1, NM_001370980.1); c.1109C>T, p.Pro370Leu (NM_001370981.1, NM_001370982.1); short protein forms P370L, P448L, P449L, P461L, P462L.
Identifiers: ClinVar variation 4777358 (VCV004777358.1).